The following is an entry in ClinVar:

NM_000388.4(CASR):c.502G>T (p.Ala168Ser)

Gene: CASR (calcium sensing receptor; plus strand). Cytogenetic location: 3q21.1.
Variant type: single nucleotide variant.
Coding change: c.502G>T on transcript NM_000388.4 (MANE Select); coding-DNA position 502, G replaced by T.
Protein change: p.Ala168Ser; replaces alanine 168 with serine.
Molecular consequence: missense variant.
Genome position (GRCh38, 1-based): chr3:122,261,537, G>T. VCF-style: chr3-122261537-G-T. GRCh37 (hg19) VCF-style: chr3-121980384-G-T.
Other names: c.502G>T (NM_000388.3); c.502G>T, p.Ala168Ser (NM_001178065.2); short protein forms A168S.
Identifiers: ClinVar variation 1038161 (VCV001038161.10), dbSNP rs1471755600, ClinGen allele CA354150726.

ClinVar aggregate classification (germline): Uncertain significance. Review status: criteria provided, multiple submitters, no conflicts (2 of 4 stars). 2 submissions from 2 submitters: Uncertain significance (2). Last evaluated 2023-11-02.

Conditions:
Nephrolithiasis/nephrocalcinosis. Identifiers: MedGen CN580796.
Familial hypocalciuric hypercalcemia (FHH). Also called: Familial benign hypercalcemia. Identifiers: Orphanet 405, MedGen C1809471, MONDO:0018458.
Autosomal dominant hypocalcemia 1 (HYPOC1). Also called: HYPOCALCEMIA, FAMILIAL. Identifiers: MedGen C3715128, MONDO:0011013, OMIM 601198.

Allele frequency attached by ClinVar (database versions not stated): gnomAD exomes below 0.00001.

Submissions (2):

Ambry Genetics
Classification: Uncertain significance for Nephrolithiasis/nephrocalcinosis. Last evaluated: 2023-11-02. Review status: criteria provided, single submitter. Criteria: Ambry Variant Classification Scheme 2023. Collection method: clinical testing. Allele origin: germline.
Comment: The p.A168S variant (also known as c.502G>T), located in coding exon 3 of the CASR gene, results from a G to T substitution at nucleotide position 502. The alanine at codon 168 is replaced by serine, an amino acid with similar properties. This amino acid position is conserved. In addition, the in silico prediction for this alteration is inconclusive. Since supporting evidence is limited at this time, the clinical significance of this alteration remains unclear.

Labcorp Genetics (formerly Invitae), Labcorp
Classification: Uncertain significance for Familial hypocalciuric hypercalcemia; Autosomal dominant hypocalcemia 1. Last evaluated: 2022-04-26. Review status: criteria provided, single submitter. Criteria: Invitae Variant Classification Sherloc (09022015). Collection method: clinical testing. Allele origin: germline.
Comment: ClinVar contains an entry for this variant (Variation ID: 1038161). This variant has not been reported in the literature in individuals affected with CASR-related conditions. This variant is present in population databases (no rsID available, gnomAD 0.0009%). This sequence change replaces alanine, which is neutral and non-polar, with serine, which is neutral and polar, at codon 168 of the CASR protein (p.Ala168Ser). In summary, the available evidence is currently insufficient to determine the role of this variant in disease. Therefore, it has been classified as a Variant of Uncertain Significance. Algorithms developed to predict the effect of missense changes on protein structure and function (SIFT, PolyPhen-2, Align-GVGD) all suggest that this variant is likely to be disruptive.